The following is an entry in ClinVar:

NM_025137.4(SPG11):c.1588A>G (p.Ile530Val)

Gene: SPG11 (SPG11 vesicle trafficking associated, spatacsin; minus strand). Cytogenetic location: 15q21.1.
Variant type: single nucleotide variant.
Coding change: c.1588A>G on transcript NM_025137.4 (MANE Select); coding-DNA position 1588, A replaced by G.
Protein change: p.Ile530Val; replaces isoleucine 530 with valine.
Molecular consequence: missense variant.
Genome position (GRCh38, 1-based): chr15:44,648,880, T>C on the plus strand (A>G on the coding strand, the complement: SPG11 is on the minus strand). VCF-style: chr15-44648880-T-C. GRCh37 (hg19) VCF-style: chr15-44941078-T-C.
Other names: c.1588A>G, p.Ile530Val (NM_001160227.2); short protein forms I530V.
Identifiers: ClinVar variation 316107 (VCV000316107.11), dbSNP rs746138256, ClinGen allele CA7535519.

ClinVar aggregate classification (germline): Uncertain significance. Review status: criteria provided, multiple submitters, no conflicts (2 of 4 stars). 5 submissions from 3 submitters: Uncertain significance (5). Last evaluated 2022-08-06.

Conditions:
Amyotrophic lateral sclerosis type 5 (ALS5). Also called: AMYOTROPHIC LATERAL SCLEROSIS 5, JUVENILE. Identifiers: Orphanet 300605, MedGen C1865864, MONDO:0011196, OMIM 602099.
Charcot-Marie-Tooth disease axonal type 2X. Also called: CHARCOT-MARIE-TOOTH DISEASE, AXONAL, AUTOSOMAL RECESSIVE, TYPE 2X; CHARCOT-MARIE-TOOTH NEUROPATHY, TYPE 2X. Identifiers: Orphanet 466775, MedGen C5569024, MONDO:0014726, OMIM 616668.
Hereditary spastic paraplegia 11. Also called: SPASTIC PARAPLEGIA, AUTOSOMAL RECESSIVE, COMPLICATED, WITH THIN CORPUS CALLOSUM; SPASTIC PARAPLEGIA, AUTOSOMAL RECESSIVE, WITH MENTAL IMPAIRMENT AND THIN CORPUS CALLOSUM; Nakamura Osame syndrome; Autosomal recessive hereditary spastic paraplegia, mental impairment, and thin corpus callosum; Spastic paraplegia, mental retardation and thin corpus callosum; Spastic Paraplegia 11. Identifiers: Orphanet 2822, MedGen C1858479, MONDO:0011445, OMIM 604360.

Allele frequency attached by ClinVar (database versions not stated): TOPMed below 0.00001; ExAC 0.00001.
gnomAD v4.1: 35 of 1,614,118 alleles (0.0022%); highest among the groups gnomAD compares: Non-Finnish European, 0.0029%; no homozygotes.

Submissions (5):

Labcorp Genetics (formerly Invitae), Labcorp
Classification: Uncertain significance for Hereditary spastic paraplegia 11. Last evaluated: 2022-08-06. Review status: criteria provided, single submitter. Criteria: Invitae Variant Classification Sherloc (09022015). Collection method: clinical testing. Allele origin: germline.
Comment: This sequence change replaces isoleucine, which is neutral and non-polar, with valine, which is neutral and non-polar, at codon 530 of the SPG11 protein (p.Ile530Val). This variant is present in population databases (rs746138256, gnomAD 0.004%). This variant has not been reported in the literature in individuals affected with SPG11-related conditions. ClinVar contains an entry for this variant (Variation ID: 316107). Algorithms developed to predict the effect of missense changes on protein structure and function are either unavailable or do not agree on the potential impact of this missense change (SIFT: "Tolerated"; PolyPhen-2: "Possibly Damaging"; Align-GVGD: "Class C0"). In summary, the available evidence is currently insufficient to determine the role of this variant in disease. Therefore, it has been classified as a Variant of Uncertain Significance.

Illumina Laboratory Services, Illumina
Classification: Uncertain significance for Hereditary spastic paraplegia 11. Last evaluated: 2018-01-12. Review status: criteria provided, single submitter. Criteria: ICSL Variant Classification Criteria 13 December 2019. Collection method: clinical testing. Allele origin: germline.

Genome-Nilou Lab
Classification: Uncertain significance for Amyotrophic lateral sclerosis type 5. Review status: criteria provided, single submitter. Criteria: ACMG Guidelines, 2015. Collection method: clinical testing. Allele origin: germline.

Genome-Nilou Lab
Classification: Uncertain significance for Charcot-Marie-Tooth disease axonal type 2X. Review status: criteria provided, single submitter. Criteria: ACMG Guidelines, 2015. Collection method: clinical testing. Allele origin: germline.

Genome-Nilou Lab
Classification: Uncertain significance for Hereditary spastic paraplegia 11. Review status: criteria provided, single submitter. Criteria: ACMG Guidelines, 2015. Collection method: clinical testing. Allele origin: germline.